The following is an entry in ClinVar:

NM_001018005.2(TPM1):c.550G>C (p.Glu184Gln)

Gene: TPM1 (tropomyosin 1; plus strand). Cytogenetic location: 15q22.2.
Variant type: single nucleotide variant.
Coding change: c.550G>C on transcript NM_001018005.2 (MANE Select); coding-DNA position 550, G replaced by C.
Protein change: p.Glu184Gln; replaces glutamic acid 184 with glutamine.
Molecular consequence: missense variant. On other transcripts: non-coding transcript variant (17).
Genome position (GRCh38, 1-based): chr15:63,060,926, G>C. VCF-style: chr15-63060926-G-C. GRCh37 (hg19) VCF-style: chr15-63353125-G-C.
Other names: c.550G>C, p.Glu184Gln (NM_001407327.1, NM_001407328.1, NM_000366.6 and 20 more transcripts); c.442G>C, p.Glu148Gln (NM_001407340.1, NM_001407341.1, NM_001407342.1 and 9 more transcripts); c.676G>C, p.Glu226Gln (NM_001407322.1, NM_001407323.1, NM_001407324.1 and 1 more transcripts); short protein forms E148Q, E226Q, E184Q.
Identifiers: ClinVar variation 3656421 (VCV003656421.2).

ClinVar aggregate classification (germline): Uncertain significance (1 of 4 stars; one submission).

Conditions:
Hypertrophic cardiomyopathy. Also called: HYPERTROPHIC MYOCARDIOPATHY. Identifiers: Orphanet 217569, MedGen C0007194, MeSH D002312, MONDO:0005045, HP:0001639.

Submission:

Labcorp Genetics (formerly Invitae), Labcorp
Classification: Uncertain significance for Hypertrophic cardiomyopathy. Last evaluated: 2024-08-28. Review status: criteria provided, single submitter. Criteria: Invitae Variant Classification Sherloc (09022015). Collection method: clinical testing. Allele origin: germline.
Comment: This sequence change replaces glutamic acid, which is acidic and polar, with glutamine, which is neutral and polar, at codon 184 of the TPM1 protein (p.Glu184Gln). This variant is not present in population databases (gnomAD no frequency). This missense change has been observed in individual(s) with hypertrophic cardiomyopathy (internal data). An algorithm developed to predict the effect of missense changes on protein structure and function (PolyPhen-2) suggests that this variant is likely to be disruptive. In summary, the available evidence is currently insufficient to determine the role of this variant in disease. Therefore, it has been classified as a Variant of Uncertain Significance.